The following is an entry in ClinVar:

ClinVar aggregate classification (germline): Uncertain significance (1 of 4 stars; one submission).

Allele frequency attached by ClinVar (database versions not stated): gnomAD exomes 0.00001; TOPMed 0.00002; gnomAD 0.00004; ExAC 0.00007; 1000 Genomes Project 30x 0.00031; 1000 Genomes Project 0.00040.

Submission:

Labcorp Genetics (formerly Invitae), Labcorp
Classification: Uncertain significance. Last evaluated: 2022-04-20. Review status: criteria provided, single submitter. Criteria: Invitae Variant Classification Sherloc (09022015). Collection method: clinical testing. Allele origin: germline.
Comment: This variant is present in population databases (rs562411034, gnomAD 0.01%). In summary, the available evidence is currently insufficient to determine the role of this variant in disease. Therefore, it has been classified as a Variant of Uncertain Significance. Algorithms developed to predict the effect of missense changes on protein structure and function are either unavailable or do not agree on the potential impact of this missense change (SIFT: "Tolerated"; PolyPhen-2: "Probably Damaging"; Align-GVGD: "Class C0"). This variant has not been reported in the literature in individuals affected with FERMT1-related conditions. This sequence change replaces arginine, which is basic and polar, with glutamine, which is neutral and polar, at codon 522 of the FERMT1 protein (p.Arg522Gln).

NM_017671.5(FERMT1):c.1565G>A (p.Arg522Gln)

Gene: FERMT1 (FERM domain containing kindlin 1; minus strand). Cytogenetic location: 20p12.3.
Variant type: single nucleotide variant.
Coding change: c.1565G>A on transcript NM_017671.5 (MANE Select); coding-DNA position 1565, G replaced by A.
Protein change: p.Arg522Gln; replaces arginine 522 with glutamine.
Molecular consequence: missense variant.
Genome position (GRCh38, 1-based): chr20:6,085,094, C>T on the plus strand (G>A on the coding strand, the complement: FERMT1 is on the minus strand). VCF-style: chr20-6085094-C-T. GRCh37 (hg19) VCF-style: chr20-6065741-C-T.
Other names: short protein forms R522Q.
Identifiers: ClinVar variation 2414249 (VCV002414249.5), dbSNP rs562411034, ClinGen allele CA9758114.